The following is an entry in ClinVar:

NM_170606.3(KMT2C):c.4444C>T (p.Pro1482Ser)

Gene: KMT2C (lysine methyltransferase 2C; minus strand). Cytogenetic location: 7q36.1.
Variant type: single nucleotide variant.
Coding change: c.4444C>T on transcript NM_170606.3 (MANE Select); coding-DNA position 4444, C replaced by T.
Protein change: p.Pro1482Ser; replaces proline 1482 with serine.
Molecular consequence: missense variant.
Genome position (GRCh38, 1-based): chr7:152,194,503, G>A on the plus strand (C>T on the coding strand, the complement: KMT2C is on the minus strand). VCF-style: chr7-152194503-G-A. GRCh37 (hg19) VCF-style: chr7-151891588-G-A.
Other names: c.4444C>T (NM_170606.2); short protein forms P1482S.
Identifiers: ClinVar variation 5007188 (VCV005007188.2).
Genomic context (GRCh38, chr7:152,194,503, plus strand): 5'-CTGTGACCATTTTGTCTAGTTCAGGACTGAGGATCCCATCTAGCTGTTCTTCACTTAATG[G>A]TCGTGAACTCTGATTGACATTTGGCTGAGGCAAAGAGGAAGGATCATCAGTGACAGGACC-3'
Protein context (NP_733751.2, residues 1472-1492): PQPNVNQSSR[Pro1482Ser]LSEEQLDGIL

ClinVar aggregate classification (germline): Uncertain significance. Review status: criteria provided, multiple submitters, no conflicts (2 of 4 stars). 2 submissions from 2 submitters: Uncertain significance (2). Last evaluated 2026-03-18.

Conditions:
Kleefstra syndrome 2 (KLEFS2). Identifiers: MedGen C4540395, MONDO:0054701, OMIM 617768.

gnomAD v4.1: 1 of 1,612,528 alleles (0.000062%); highest among the groups gnomAD compares: Non-Finnish European, 0.000085%; no homozygotes.

Submissions (2):

GeneDx
Classification: Uncertain significance. Last evaluated: 2026-03-18. Review status: criteria provided, single submitter. Criteria: GeneDx Variant Classification Process June 2021. Collection method: clinical testing. Allele origin: germline.
Comment: Not observed at significant frequency in large population cohorts (gnomAD); In silico analysis supports that this missense variant has a deleterious effect on protein structure/function; Has not been previously published as pathogenic or benign to our knowledge

Juno Genomics, Hangzhou Juno Genomics, Inc
Classification: Uncertain significance for Kleefstra syndrome 2. Review status: criteria provided, single submitter. Criteria: ACMG Guidelines, 2015. Collection method: clinical testing. Allele origin: germline.
Comment: Absent from controls (or at extremely low frequency if recessive) in Genome Aggregation Database.;Missense variant in a gene that has a low rate of benign missense variation.;Multiple lines of computational evidence suggest no impact on gene or gene product.